The following is an entry in ClinVar:

ClinVar aggregate classification (germline): Pathogenic. Review status: criteria provided, multiple submitters, no conflicts (2 of 4 stars). 6 submissions from 6 submitters: Pathogenic (6). Last evaluated 2026-05-27.

Conditions:
Hermansky-Pudlak syndrome (HPS). Also called: ALBINISM WITH HEMORRHAGIC DIATHESIS AND PIGMENTED RETICULOENDOTHELIAL CELLS. Identifiers: Orphanet 79430, MedGen C0079504, MONDO:0019312.
Hermansky-Pudlak syndrome 3 (HPS3). Identifiers: Orphanet 231512, Orphanet 79430, MedGen C3888001, MONDO:0013555, OMIM 614072.

Allele frequency attached by ClinVar (database versions not stated): ExAC 0.00001; gnomAD exomes 0.00001; TOPMed 0.00001.

Submissions (6):

Myriad Genetics, Inc.
Classification: Pathogenic for Hermansky-Pudlak syndrome 3. Last evaluated: 2026-05-27. Review status: criteria provided, single submitter. Criteria: Myriad Autosomal Dominant, Autosomal Recessive and X-Linked Classification Criteria (2023). Collection method: clinical testing. Allele origin: unknown.
Comment: NM_032383.3(HPS3):c.728_729insA(S244Ffs*4) is a frameshift variant classified as pathogenic in the context of Hermansky-Pudlak syndrome, HPS3-related. S244Ffs*4 has been observed in a case with relevant disease (PMID: 31898847). Relevant functional assessments of this variant are not available in the literature. S244Ffs*4 has been observed in referenced population frequency databases. In summary, NM_032383.3(HPS3):c.728_729insA(S244Ffs*4) is a frameshift variant in a gene where loss of function is a known mechanism of disease, is predicted to disrupt protein function, and has been observed more frequently in cases with the relevant disease than in healthy populations. Please note: this variant was assessed in the context of healthy population screening.

Natera, Inc.
Classification: Pathogenic for Hermansky-Pudlak syndrome. Last evaluated: 2025-10-06. Review status: criteria provided, single submitter. Criteria: Natera Variant Classification Schema (03/2026). Collection method: clinical testing. Allele origin: germline.
Comment: The c.728_729insA variant in HPS3 is a frameshift variant predicted to shift the reading frame beginning at codon 244 and leads to a stop codon 4 codons downstream. This variant is expected to result in nonsense mediated decay, truncation, or a dysfunctional protein product. This variant is rare in the general population with a frequency below the threshold expected for the associated phenotype(s). This variant has been observed in one or more individuals affected with the associated recessive disease, as either homozygous or compound heterozygous with a second variant (PMID: 15632015). Given the available evidence, this variant is classified as Pathogenic.

Women's Health and Genetics/Laboratory Corporation of America, LabCorp
Classification: Pathogenic for Hermansky-Pudlak syndrome. Last evaluated: 2024-11-04. Review status: criteria provided, single submitter. Criteria: LabCorp Variant Classification Summary - May 2015. Collection method: clinical testing. Allele origin: germline.
Comment: Variant summary: HPS3 c.728_729insA (p.Ser244PhefsX4) results in a premature termination codon, predicted to cause a truncation of the encoded protein or absence of the protein due to nonsense mediated decay, which are commonly known mechanisms for disease. The variant allele was found at a frequency of 8e-06 in 251068 control chromosomes. c.728_729insA has been reported in the literature in a homozygous individual affected with Hermansky-Pudlak Syndrome (Huizing_2020). These data indicate that the variant may be associated with disease. To our knowledge, no experimental evidence demonstrating an impact on protein function has been reported. The following publication have been ascertained in the context of this evaluation (PMID: 31898847). ClinVar contains an entry for this variant (Variation ID: 1454368). Based on the evidence outlined above, the variant was classified as pathogenic.

Labcorp Genetics (formerly Invitae), Labcorp
Classification: Pathogenic. Last evaluated: 2024-05-06. Review status: criteria provided, single submitter. Criteria: Invitae Variant Classification Sherloc (09022015). Collection method: clinical testing. Allele origin: germline.
Comment: This sequence change creates a premature translational stop signal (p.Ser244Phefs*4) in the HPS3 gene. It is expected to result in an absent or disrupted protein product. Loss-of-function variants in HPS3 are known to be pathogenic (PMID: 11590544). This variant is present in population databases (rs760577035, gnomAD 0.003%). This variant has not been reported in the literature in individuals affected with HPS3-related conditions. ClinVar contains an entry for this variant (Variation ID: 1454368). For these reasons, this variant has been classified as Pathogenic.

Fulgent Genetics
Classification: Pathogenic for Hermansky-Pudlak syndrome 3. Last evaluated: 2024-03-29. Review status: criteria provided, single submitter. Criteria: ACMG Guidelines, 2015. Collection method: clinical testing. Allele origin: germline.

Baylor Genetics
Classification: Pathogenic for Hermansky-Pudlak syndrome 3. Last evaluated: 2024-02-04. Review status: criteria provided, single submitter. Criteria: ACMG Guidelines, 2015. Collection method: clinical testing. Allele origin: unknown.

Literature cited by the submitters: PubMed 31898847 (cited by Myriad Genetics, Inc. and Women's Health and Genetics/Laboratory Corporation of America, LabCorp); PubMed 15632015 (cited by Natera, Inc.); PubMed 11590544 (cited by Labcorp Genetics (formerly Invitae), Labcorp).

NM_032383.5(HPS3):c.728_729insA (p.Ser244fs)

Gene: HPS3 (HPS3 biogenesis of lysosomal organelles complex 2 subunit 1; plus strand). Cytogenetic location: 3q24.
Variant type: Insertion.
Coding change: c.728_729insA on transcript NM_032383.5 (MANE Select); coding-DNA positions 728 to 729, A inserted.
Protein change: p.Ser244fs; shifts the reading frame from serine 244.
Molecular consequence: frameshift variant.
Genome position: GRCh38 VCF-style: chr3-149141032-T-TA. GRCh37 (hg19) VCF-style: chr3-148858819-T-TA.
Other names: c.728_729insA (NM_032383.4); c.233_234insA, p.Ser79fs (NM_001308258.2); short protein forms S79fs, S244fs.
Identifiers: ClinVar variation 1454368 (VCV001454368.12), dbSNP rs760577035, ClinGen allele CA2659875.